The following is an entry in ClinVar:

ClinVar aggregate classification (germline): Uncertain significance (1 of 4 stars; one submission).

Conditions:
Susceptibility to respiratory infections associated with CD8alpha chain mutation (IMD116). Also called: IMMUNODEFICIENCY 116; Cd8 deficiency, familial. Identifiers: Orphanet 169085, MedGen C1837065, MONDO:0012161, OMIM 608957.

gnomAD v4.1: 12 of 1,596,766 alleles (0.00075%); highest among the groups gnomAD compares: Admixed American, 0.02%; no homozygotes.

Submission:

Labcorp Genetics (formerly Invitae), Labcorp
Classification: Uncertain significance for Susceptibility to respiratory infections associated with CD8alpha chain mutation. Last evaluated: 2025-02-28. Review status: criteria provided, single submitter. Criteria: Invitae Variant Classification Sherloc (09022015). Collection method: clinical testing. Allele origin: germline.
Comment: This sequence change replaces alanine, which is neutral and non-polar, with serine, which is neutral and polar, at codon 19 of the CD8A protein (p.Ala19Ser). This variant is present in population databases (no rsID available, gnomAD 0.03%). This variant has not been reported in the literature in individuals affected with CD8A-related conditions. Experimental studies and prediction algorithms are not available or were not evaluated, and the functional significance of this variant is currently unknown. In summary, the available evidence is currently insufficient to determine the role of this variant in disease. Therefore, it has been classified as a Variant of Uncertain Significance.

NM_001768.7(CD8A):c.55G>T (p.Ala19Ser)

Gene: CD8A (CD8 subunit alpha; minus strand). Cytogenetic location: 2p11.2.
Variant type: single nucleotide variant.
Coding change: c.55G>T on transcript NM_001768.7 (MANE Select); coding-DNA position 55, G replaced by T.
Protein change: p.Ala19Ser; replaces alanine 19 with serine.
Molecular consequence: missense variant. On other transcripts: non-coding transcript variant (3).
Genome position (GRCh38, 1-based): chr2:86,790,676, C>A on the plus strand (G>T on the coding strand, the complement: CD8A is on the minus strand). VCF-style: chr2-86790676-C-A. GRCh37 (hg19) VCF-style: chr2-87017799-C-A.
Other names: c.55G>T, p.Ala19Ser (NM_001145873.1, NM_001382698.1, NM_171827.4); short protein forms A19S.
Identifiers: ClinVar variation 4740680 (VCV004740680.1).
Genomic context (GRCh38, chr2:86,790,676, plus strand): 5'-CTGTCTCGCCCAGGTTCCAGGTCCGATCCAGCGGCGACACCCGGAACTGGCTCGGCCTGG[C>A]GGCGTCTGCAGGCGGCAAGCAGCGAGGCTGAGCCCGCAGTCCCGCGCCCCCCGCCCCCCG-3'
Protein context (NP_001759.3, residues 9-29): LLPLALLLHA[Ala19Ser]RPSQFRVSPL